The following is an entry in ClinVar:

ClinVar aggregate classification (germline): Uncertain significance (1 of 4 stars; one submission).

gnomAD v4.1: 10 of 1,614,032 alleles (0.00062%); highest among the groups gnomAD compares: East Asian, 0.0022%; no homozygotes.

Submission:

GeneDx
Classification: Uncertain significance. Last evaluated: 2024-12-13. Review status: criteria provided, single submitter. Criteria: GeneDx Variant Classification Process June 2021. Collection method: clinical testing. Allele origin: germline. Affected: yes.
Comment: Not observed at significant frequency in large population cohorts (gnomAD); In silico analysis indicates that this missense variant does not alter protein structure/function; Has not been previously published as pathogenic or benign to our knowledge; This variant is associated with the following publications: (PMID: 10835628, 11114740)

NM_182925.5(FLT4):c.3184A>G (p.Ile1062Val)

Gene: FLT4 (fms related receptor tyrosine kinase 4; minus strand). Cytogenetic location: 5q35.3.
Variant type: single nucleotide variant.
Coding change: c.3184A>G on transcript NM_182925.5 (MANE Select); coding-DNA position 3184, A replaced by G.
Protein change: p.Ile1062Val; replaces isoleucine 1062 with valine.
Molecular consequence: missense variant.
Genome position (GRCh38, 1-based): chr5:180,616,402, T>C on the plus strand (A>G on the coding strand, the complement: FLT4 is on the minus strand). VCF-style: chr5-180616402-T-C. GRCh37 (hg19) VCF-style: chr5-180043402-T-C.
Other names: c.3184A>G, p.Ile1062Val (NM_001354989.2, NM_002020.5); short protein forms I1062V.
Identifiers: ClinVar variation 3903098 (VCV003903098.1).